The following is an entry in ClinVar:

NM_198252.3(GSN):c.-10+884G>A

Genes: GSN (gelsolin; plus strand), GSN-AS1 (GSN antisense RNA 1; minus strand), LOC126860752 (CDK7 strongly-dependent group 2 enhancer GRCh37_chr9:124043752-124044951; plus strand). Cytogenetic location: 9q33.2.
Variant type: single nucleotide variant.
Coding change: c.-10+884G>A on transcript NM_198252.3 (MANE Select); 884 bases into the intron after 10 bases upstream of the start codon, G replaced by A.
Molecular consequence: intron variant. On other transcripts: 5 prime UTR variant (6), non-coding transcript variant (1).
Genome position (GRCh38, 1-based): chr9:121,282,446, G>A. VCF-style: chr9-121282446-G-A. GRCh37 (hg19) VCF-style: chr9-124044724-G-A.
Other names: c.-6G>A (NM_001127663.2); c.-106G>A (NM_001353056.2, NM_001353059.2); c.-143G>A (NM_001353068.2, NM_001353073.2); c.-152G>A (NM_001353072.2); c.-10+884G>A (NM_001353054.1, NM_001353053.1, NM_001353060.2 and 2 more transcripts); c.-48+884G>A (NM_001353064.2, NM_001353066.2, NM_001353076.2 and 1 more transcripts); c.-2+884G>A (NM_001353058.2, NM_001353057.2); c.-39+493G>A (NM_001353065.2); and 12 more.
Identifiers: ClinVar variation 4992804 (VCV004992804.1).

ClinVar aggregate classification (germline): Likely benign (1 of 4 stars; one submission).

Conditions:
GSN-related disorder. Also called: GSN-related condition.

gnomAD v4.1: 2 of 1,301,950 alleles (0.00015%); highest among the groups gnomAD compares: Non-Finnish European, 0.0002%; no homozygotes.

Submission:

PreventionGenetics, part of Exact Sciences
Classification: Likely benign for GSN-related condition. Last evaluated: 2026-07-15. Review status: criteria provided, single submitter. Criteria: ACMG Guidelines, 2015. Collection method: clinical testing. Allele origin: germline.
Comment: This variant is classified as likely benign based on ACMG/AMP sequence variant interpretation guidelines (Richards et al. 2015 PMID: 25741868, with internal and published modifications).